The following is an entry in ClinVar:

ClinVar aggregate classification (germline): Uncertain significance (1 of 4 stars; one submission).

Conditions:
HTR2C-related disorder. Also called: HTR2C-related condition.

Submission:

PreventionGenetics, part of Exact Sciences
Classification: Uncertain significance for HTR2C-related condition. Last evaluated: 2026-03-31. Review status: criteria provided, single submitter. Criteria: ACMG Guidelines, 2015. Collection method: clinical testing. Allele origin: germline.
Comment: The HTR2C c.536G>A variant is predicted to result in premature protein termination (p.Trp179*). To our knowledge, this variant has not been reported in the literature or in a large population database (gnomAD), indicating this variant is rare. Loss of function is not an established mechanism of HTR2C-related disease. At this time, the clinical significance of this variant is uncertain due to the absence of conclusive functional and genetic evidence.

NM_000868.4(HTR2C):c.536G>A (p.Trp179Ter)

Gene: HTR2C (5-hydroxytryptamine receptor 2C; plus strand). Cytogenetic location: Xq23.
Variant type: single nucleotide variant.
Coding change: c.536G>A on transcript NM_000868.4 (MANE Select); coding-DNA position 536, G replaced by A.
Protein change: p.Trp179Ter; replaces tryptophan 179 with a stop codon.
Molecular consequence: nonsense. On other transcripts: intron variant (1).
Genome position (GRCh38, 1-based): chrX:114,848,189, G>A. VCF-style: chrX-114848189-G-A. GRCh37 (hg19) VCF-style: chrX-114082752-G-A.
Other names: c.536G>A, p.Trp179Ter (NM_001256760.3); c.455+81G>A (NM_001256761.3); short protein forms W179*.
Identifiers: ClinVar variation 4993291 (VCV004993291.1).